The following is an entry in ClinVar:

NM_000400.4(ERCC2):c.2260G>C (p.Glu754Gln)

Gene: ERCC2 (ERCC excision repair 2, TFIIH core complex helicase subunit; minus strand). Cytogenetic location: 19q13.32.
Variant type: single nucleotide variant.
Coding change: c.2260G>C on transcript NM_000400.4 (MANE Select); coding-DNA position 2260, G replaced by C.
Protein change: p.Glu754Gln; replaces glutamic acid 754 with glutamine.
Molecular consequence: missense variant.
Genome position (GRCh38, 1-based): chr19:45,351,652, C>G on the plus strand (G>C on the coding strand, the complement: ERCC2 is on the minus strand). VCF-style: chr19-45351652-C-G. GRCh37 (hg19) VCF-style: chr19-45854910-C-G.
Other names: short protein forms E754Q.
Identifiers: ClinVar variation 329501 (VCV000329501.8), dbSNP rs200022901, ClinGen allele CA9512797.

ClinVar aggregate classification (germline): Uncertain significance. Review status: criteria provided, multiple submitters, no conflicts (2 of 4 stars). 2 submissions from 2 submitters: Uncertain significance (2). Last evaluated 2022-07-25.

Conditions:
Xeroderma pigmentosum, group D (XPD). Also called: ERCC2-Related Xeroderma Pigmentosum; XERODERMA PIGMENTOSUM, COMPLEMENTATION GROUP D; XERODERMA PIGMENTOSUM IV; XP, GROUP D; XP, GROUP H. Identifiers: MedGen C0268138, MONDO:0010212, OMIM 278730.

Allele frequency attached by ClinVar (database versions not stated): TOPMed 0.00005; gnomAD 0.00007 and 0.00009; ESP Exome Variant Server 0.00008; gnomAD exomes 0.00011 and 0.00012; ExAC 0.00015.

Submissions (2):

Labcorp Genetics (formerly Invitae), Labcorp
Classification: Uncertain significance. Last evaluated: 2022-07-25. Review status: criteria provided, single submitter. Criteria: Invitae Variant Classification Sherloc (09022015). Collection method: clinical testing. Allele origin: germline.
Comment: This sequence change replaces glutamic acid, which is acidic and polar, with glutamine, which is neutral and polar, at codon 754 of the ERCC2 protein (p.Glu754Gln). This variant is present in population databases (rs200022901, gnomAD 0.03%). This variant has not been reported in the literature in individuals affected with ERCC2-related conditions. ClinVar contains an entry for this variant (Variation ID: 329501). Algorithms developed to predict the effect of missense changes on protein structure and function (SIFT, PolyPhen-2, Align-GVGD) all suggest that this variant is likely to be tolerated. In summary, the available evidence is currently insufficient to determine the role of this variant in disease. Therefore, it has been classified as a Variant of Uncertain Significance.

Illumina Laboratory Services, Illumina
Classification: Uncertain significance for Xeroderma pigmentosum, group D. Last evaluated: 2018-01-13. Review status: criteria provided, single submitter. Criteria: ICSL Variant Classification Criteria 13 December 2019. Collection method: clinical testing. Allele origin: germline.